The following is an entry in ClinVar:

NM_000180.4(GUCY2D):c.49T>C (p.Cys17Arg)

Gene: GUCY2D (guanylate cyclase 2D, retinal; plus strand). Cytogenetic location: 17p13.1.
Variant type: single nucleotide variant.
Coding change: c.49T>C on transcript NM_000180.4 (MANE Select); coding-DNA position 49, T replaced by C.
Protein change: p.Cys17Arg; replaces cysteine 17 with arginine.
Molecular consequence: missense variant.
Genome position (GRCh38, 1-based): chr17:8,003,096, T>C. VCF-style: chr17-8003096-T-C. GRCh37 (hg19) VCF-style: chr17-7906414-T-C.
Other names: short protein forms C17R.
Identifiers: ClinVar variation 933542 (VCV000933542.9), dbSNP rs1008930073, ClinGen allele CA287522837.

ClinVar aggregate classification (germline): Uncertain significance. Review status: criteria provided, multiple submitters, no conflicts (2 of 4 stars). 3 submissions from 3 submitters: Uncertain significance (3). Last evaluated 2025-08-20.

Conditions:
Night blindness, congenital stationary, type1i. Also called: NIGHT BLINDNESS, CONGENITAL STATIONARY, TYPE 1I. Identifiers: MedGen C5231408, MONDO:0032811, OMIM 618555.
Choroidal dystrophy, central areolar, 1. Identifiers: Orphanet 75377, MedGen C4551884, MONDO:0024539, OMIM 215500.
Cone-rod dystrophy 6 (CORD6). Also called: Cone dystrophy progressive; RETINAL CONE DYSTROPHY 2. Identifiers: Orphanet 1872, MedGen C1866293, MONDO:0011143, OMIM 601777.
Leber congenital amaurosis 1 (LCA1). Also called: AMAUROSIS CONGENITA OF LEBER I; Congenital absence of the rods and cones; Leber's congenital tapetoretinal degeneration; Leber's congenital tapetoretinal dysplasia; RETINAL BLINDNESS, CONGENITAL. Identifiers: Orphanet 65, MedGen C2931258, MONDO:0008764, OMIM 204000.
Inborn genetic diseases. Identifiers: MedGen C0950123, MeSH D030342.

Allele frequency attached by ClinVar (database versions not stated): TOPMed 0.00010.
gnomAD v4.1: 75 of 1,523,932 alleles (0.0049%); highest among the groups gnomAD compares: Non-Finnish European, 0.0064%; no homozygotes.

Submissions (3):

Ambry Genetics
Classification: Uncertain significance for Inborn genetic diseases. Last evaluated: 2025-08-20. Review status: criteria provided, single submitter. Criteria: Ambry Variant Classification Scheme 2023. Collection method: clinical testing. Allele origin: germline.

Labcorp Genetics (formerly Invitae), Labcorp
Classification: Uncertain significance for Leber congenital amaurosis 1; Cone-rod dystrophy 6. Last evaluated: 2025-07-29. Review status: criteria provided, single submitter. Criteria: Invitae Variant Classification Sherloc (09022015). Collection method: clinical testing. Allele origin: germline.
Comment: This sequence change replaces cysteine, which is neutral and slightly polar, with arginine, which is basic and polar, at codon 17 of the GUCY2D protein (p.Cys17Arg). This variant is present in population databases (no rsID available, gnomAD 0.009%). This variant has not been reported in the literature in individuals affected with GUCY2D-related conditions. ClinVar contains an entry for this variant (Variation ID: 933542). Invitae Evidence Modeling of protein sequence and biophysical properties (such as structural, functional, and spatial information, amino acid conservation, physicochemical variation, residue mobility, and thermodynamic stability) indicates that this missense variant is not expected to disrupt GUCY2D protein function with a negative predictive value of 95%. In summary, the available evidence is currently insufficient to determine the role of this variant in disease. Therefore, it has been classified as a Variant of Uncertain Significance.

Fulgent Genetics
Classification: Uncertain significance for Leber congenital amaurosis 1; Choroidal dystrophy, central areolar, 1; Cone-rod dystrophy 6; Night blindness, congenital stationary, type1i. Last evaluated: 2021-09-13. Review status: criteria provided, single submitter. Criteria: ACMG Guidelines, 2015. Collection method: clinical testing. Allele origin: unknown.